The following is an entry in ClinVar:

ClinVar aggregate classification (germline): Uncertain significance. Review status: criteria provided, multiple submitters, no conflicts (2 of 4 stars). 2 submissions from 2 submitters: Uncertain significance (2). Last evaluated 2023-02-22.

Conditions:
Inborn genetic diseases. Identifiers: MedGen C0950123, MeSH D030342.
Jeune thoracic dystrophy. Also called: Jeune syndrome; Infantile thoracic dystrophy; Thoracic pelvic phalangeal dystrophy; Jeune's syndrome; Chondroectodermal dysplasia-like syndrome; Short-rib thoracic dysplasia. Identifiers: Orphanet 474, MedGen C0265275, MONDO:0018770.

Allele frequency attached by ClinVar (database versions not stated): TOPMed 0.00005; gnomAD exomes 0.00007 and 0.00011; gnomAD 0.00009; ExAC 0.00021.
gnomAD v4.1: 119 of 1,569,758 alleles (0.0076%); highest among the groups gnomAD compares: Non-Finnish European, 0.0075%; no homozygotes.

Submissions (2):

Ambry Genetics
Classification: Uncertain significance for Inborn genetic diseases. Last evaluated: 2023-02-22. Review status: criteria provided, single submitter. Criteria: Ambry Variant Classification Scheme 2023. Collection method: clinical testing. Allele origin: germline.

Labcorp Genetics (formerly Invitae), Labcorp
Classification: Uncertain significance for Jeune thoracic dystrophy. Last evaluated: 2022-07-17. Review status: criteria provided, single submitter. Criteria: Invitae Variant Classification Sherloc (09022015). Collection method: clinical testing. Allele origin: germline.
Comment: This sequence change replaces arginine, which is basic and polar, with glutamine, which is neutral and polar, at codon 2579 of the DYNC2H1 protein (p.Arg2579Gln). This variant is present in population databases (rs201854166, gnomAD 0.05%). This variant has not been reported in the literature in individuals affected with DYNC2H1-related conditions. ClinVar contains an entry for this variant (Variation ID: 1484398). Advanced modeling of protein sequence and biophysical properties (such as structural, functional, and spatial information, amino acid conservation, physicochemical variation, residue mobility, and thermodynamic stability) performed at Invitae indicates that this missense variant is not expected to disrupt DYNC2H1 protein function. In summary, the available evidence is currently insufficient to determine the role of this variant in disease. Therefore, it has been classified as a Variant of Uncertain Significance.

NM_001377.3(DYNC2H1):c.7736G>A (p.Arg2579Gln)

Gene: DYNC2H1 (dynein cytoplasmic 2 heavy chain 1; plus strand). Cytogenetic location: 11q22.3.
Variant type: single nucleotide variant.
Coding change: c.7736G>A on transcript NM_001377.3 (MANE Select); coding-DNA position 7736, G replaced by A.
Protein change: p.Arg2579Gln; replaces arginine 2579 with glutamine.
Molecular consequence: missense variant.
Genome position (GRCh38, 1-based): chr11:103,197,960, G>A. VCF-style: chr11-103197960-G-A. GRCh37 (hg19) VCF-style: chr11-103068689-G-A.
Other names: c.7736G>A, p.Arg2579Gln (NM_001080463.2); c.7736G>A (NM_001080463.1); short protein forms R2579Q.
Identifiers: ClinVar variation 1484398 (VCV001484398.5), dbSNP rs201854166, ClinGen allele CA6254323.